The following is an entry in ClinVar:

NM_015046.7(SETX):c.3079_3080insAGG (p.Ile1027delinsLysVal)

Gene: SETX (senataxin; minus strand). Cytogenetic location: 9q34.13.
Variant type: Insertion.
Coding change: c.3079_3080insAGG on transcript NM_015046.7 (MANE Select); coding-DNA positions 3079 to 3080, AGG inserted.
Protein change: p.Ile1027delinsLysVal.
Molecular consequence: inframe indel.
Genome position: GRCh38 VCF-style: chr9-132328518-A-ACCT. GRCh37 (hg19) VCF-style: chr9-135203905-A-ACCT.
Other names: c.3079_3080insAGG, p.Ile1027delinsLysVal (NM_001351527.2, NM_001351528.2).
Identifiers: ClinVar variation 2934125 (VCV002934125.3), dbSNP rs2539113877, ClinGen allele CA2579491645.

ClinVar aggregate classification (germline): Uncertain significance (1 of 4 stars; one submission).

Conditions:
Amyotrophic lateral sclerosis type 4 (ALS4). Also called: NEURONOPATHY, DISTAL HEREDITARY MOTOR, WITH PYRAMIDAL FEATURES; AMYOTROPHIC LATERAL SCLEROSIS 4, JUVENILE. Identifiers: Orphanet 357043, MedGen C1865409, MONDO:0011223, OMIM 602433.
Spinocerebellar ataxia, autosomal recessive, with axonal neuropathy 2 (SCAN2). Also called: ATAXIA-OCULOMOTOR APRAXIA 2; Ataxia-ocular apraxia-2; Ataxia with Oculomotor Apraxia; Ataxia with Oculomotor Apraxia Type 2. Identifiers: Orphanet 64753, MedGen C1853761, MONDO:0018996, OMIM 606002.

Submission:

Labcorp Genetics (formerly Invitae), Labcorp
Classification: Uncertain significance for Amyotrophic lateral sclerosis type 4; Spinocerebellar ataxia, autosomal recessive, with axonal neuropathy 2. Last evaluated: 2025-11-24. Review status: criteria provided, single submitter. Criteria: Invitae Variant Classification Sherloc (09022015). Collection method: clinical testing. Allele origin: germline.
Comment: This variant, c.3079_3080insAGG, is a complex sequence change that results in the deletion of 1 and insertion of 2 amino acid(s) in the SETX protein (p.Ile1027delinsLysVal). This variant is not present in population databases (gnomAD no frequency). This variant has not been reported in the literature in individuals affected with SETX-related conditions. ClinVar contains an entry for this variant (Variation ID: 2934125). Experimental studies and prediction algorithms are not available or were not evaluated, and the functional significance of this variant is currently unknown. In summary, the available evidence is currently insufficient to determine the role of this variant in disease. Therefore, it has been classified as a Variant of Uncertain Significance.